The following is an entry in ClinVar:

ClinVar aggregate classification (germline): Uncertain significance (1 of 4 stars; one submission).

Conditions:
Emery-Dreifuss muscular dystrophy 5, autosomal dominant (EDMD5). Also called: EMERY-DREIFUSS MUSCULAR DYSTROPHY 5. Identifiers: Orphanet 261, MedGen C2751805, MONDO:0013072, OMIM 612999.

gnomAD v4.1: 3 of 1,614,216 alleles (0.00019%); highest among the groups gnomAD compares: Non-Finnish European, 0.00025%; no homozygotes.

Submission:

Labcorp Genetics (formerly Invitae), Labcorp
Classification: Uncertain significance for Emery-Dreifuss muscular dystrophy 5, autosomal dominant. Last evaluated: 2024-06-17. Review status: criteria provided, single submitter. Criteria: Invitae Variant Classification Sherloc (09022015). Collection method: clinical testing. Allele origin: germline.
Comment: This sequence change replaces lysine, which is basic and polar, with glutamic acid, which is acidic and polar, at codon 6047 of the SYNE2 protein (p.Lys6047Glu). This variant is present in population databases (rs773610202, gnomAD 0.0009%). This variant has not been reported in the literature in individuals affected with SYNE2-related conditions. An algorithm developed to predict the effect of missense changes on protein structure and function (PolyPhen-2) suggests that this variant is likely to be disruptive. In summary, the available evidence is currently insufficient to determine the role of this variant in disease. Therefore, it has been classified as a Variant of Uncertain Significance.

NM_182914.3(SYNE2):c.18139A>G (p.Lys6047Glu)

Gene: SYNE2 (spectrin repeat containing nuclear envelope protein 2; plus strand). Cytogenetic location: 14q23.2.
Variant type: single nucleotide variant.
Coding change: c.18139A>G on transcript NM_182914.3 (MANE Select); coding-DNA position 18139, A replaced by G.
Protein change: p.Lys6047Glu; replaces lysine 6047 with glutamic acid.
Molecular consequence: missense variant.
Genome position (GRCh38, 1-based): chr14:64,202,901, A>G. VCF-style: chr14-64202901-A-G. GRCh37 (hg19) VCF-style: chr14-64669619-A-G.
Other names: c.18139A>G, p.Lys6047Glu (NM_015180.6); short protein forms K6047E.
Identifiers: ClinVar variation 3680332 (VCV003680332.2).